The following is an entry in ClinVar:

NC_000005.10:g.13886130del

Genes: DNAH5 (dynein axonemal heavy chain 5; minus strand), DNAH5-AS1 (DNAH5 antisense RNA 1; plus strand). Cytogenetic location: 5p15.2.
Variant type: Deletion.
Genome position: GRCh38 VCF-style: chr5-13886128-TC-T. GRCh37 (hg19) VCF-style: chr5-13886237-TC-T.
Identifiers: ClinVar variation 2840946 (VCV002840946.3), dbSNP rs2547043262, ClinGen allele CA2673277319.

ClinVar aggregate classification (germline): Pathogenic (1 of 4 stars; one submission).

Conditions:
Primary ciliary dyskinesia. Also called: Ciliary dyskinesia. Identifiers: Orphanet 244, MedGen C0008780, MONDO:0016575, HP:0012265.

Submission:

Labcorp Genetics (formerly Invitae), Labcorp
Classification: Pathogenic for Primary ciliary dyskinesia. Last evaluated: 2024-02-20. Review status: criteria provided, single submitter. Criteria: Invitae Variant Classification Sherloc (09022015). Collection method: clinical testing. Allele origin: germline.
Comment: This sequence change creates a premature translational stop signal (p.Asp860Ilefs*4) in the DNAH5 gene. It is expected to result in an absent or disrupted protein product. Loss-of-function variants in DNAH5 are known to be pathogenic (PMID: 11788826, 16627867). This variant is not present in population databases (gnomAD no frequency). This variant has not been reported in the literature in individuals affected with DNAH5-related conditions. Algorithms developed to predict the effect of sequence changes on RNA splicing suggest that this variant may disrupt the consensus splice site. For these reasons, this variant has been classified as Pathogenic.

Literature cited by the submitters: PubMed 11788826; PubMed 16627867.